The following is an entry in ClinVar:

ClinVar aggregate classification (germline): Likely benign. Review status: criteria provided, multiple submitters, no conflicts (2 of 4 stars). 2 submissions from 2 submitters: Likely benign (2). Last evaluated 2025-10-01.

Conditions:
Inborn genetic diseases. Identifiers: MedGen C0950123, MeSH D030342.

Allele frequency attached by ClinVar (database versions not stated): TOPMed 0.00003; ExAC 0.00006; gnomAD 0.00007; 1000 Genomes Project 0.00020; 1000 Genomes Project 30x 0.00047.

Submissions (2):

CeGaT Center for Human Genetics Tuebingen
Classification: Likely benign. Last evaluated: 2025-10-01. Review status: criteria provided, single submitter. Criteria: CeGaT Center For Human Genetics Tuebingen Variant Classification Criteria Version 2. Collection method: clinical testing. Allele origin: germline. Affected: yes. Observed: 1 variant allele.
Comment: BPTF: BP4, BS2

Ambry Genetics
Classification: Likely benign for Inborn genetic diseases. Last evaluated: 2023-07-30. Review status: criteria provided, single submitter. Criteria: Ambry Variant Classification Scheme 2023. Collection method: clinical testing. Allele origin: germline.

NM_182641.4(BPTF):c.3817A>G (p.Met1273Val)

Gene: BPTF (bromodomain PHD finger transcription factor; plus strand). Cytogenetic location: 17q24.2.
Variant type: single nucleotide variant.
Coding change: c.3817A>G on transcript NM_182641.4 (MANE Select); coding-DNA position 3817, A replaced by G.
Protein change: p.Met1273Val; replaces methionine 1273 with valine.
Molecular consequence: missense variant.
Genome position (GRCh38, 1-based): chr17:67,911,701, A>G. VCF-style: chr17-67911701-A-G. GRCh37 (hg19) VCF-style: chr17-65907817-A-G.
Other names: c.4195A>G, p.Met1399Val (NM_004459.7); short protein forms M1399V, M1273V.
Identifiers: ClinVar variation 2598906 (VCV002598906.8), dbSNP rs200808758, ClinGen allele CA8725708.